The following is an entry in ClinVar:

ClinVar aggregate classification (germline): Likely benign (1 of 4 stars; one submission).

Submission:

CeGaT Center for Human Genetics Tuebingen
Classification: Likely benign. Last evaluated: 2026-05-01. Review status: criteria provided, single submitter. Criteria: CeGaT Center For Human Genetics Tuebingen Variant Classification Criteria Version 2. Collection method: clinical testing. Allele origin: germline. Affected: yes. Observed: 2 variant alleles.
Comment: ZNF814: BP4, BP7

NM_001144989.2(ZNF814):c.885A>G (p.Lys295=)

Gene: ZNF814 (zinc finger protein 814; minus strand). Cytogenetic location: 19q13.43.
Variant type: single nucleotide variant.
Coding change: c.885A>G on transcript NM_001144989.2 (MANE Select); coding-DNA position 885, A replaced by G.
Protein change: p.Lys295=; no amino-acid change (lysine 295 retained).
Molecular consequence: synonymous variant.
Genome position (GRCh38, 1-based): chr19:57,874,505, T>C on the plus strand (A>G on the coding strand, the complement: ZNF814 is on the minus strand). VCF-style: chr19-57874505-T-C. GRCh37 (hg19) VCF-style: chr19-58385873-T-C.
Identifiers: ClinVar variation 3904887 (VCV003904887.10).
Genomic context (GRCh38, chr19:57,874,505, plus strand): 5'-CTGATGATTACTGAAGCTAACATATTTGCTAAAGGATTTCCCACATTCTCCACATTCATG[T>C]TTTTTTTCAGTGTGAACTCTCTGATGATTACTGAAGCTAACATATTTGCTAAAGGATTTC-3'
Protein context (NP_001138461.1, residues 285-305): SNHQRVHTEK[Lys295=]HECGECGKSF